The following is an entry in ClinVar:

NM_001308093.3(GATA4):c.1012_1014del (p.Ser338del)

Gene: GATA4 (GATA binding protein 4). Cytogenetic location: 8p23.1.
Variant type: Deletion.
Coding change: c.1012_1014del on transcript NM_001308093.3 (MANE Select); coding-DNA positions 1012 to 1014, 3 bases deleted.
Protein change: p.Ser338del; deletes serine 338.
Genome position: GRCh38 VCF-style: chr8-11756945-CAGT-C. GRCh37 (hg19) VCF-style: chr8-11614454-CAGT-C.
Other names: c.391_393del, p.Ser131del (NM_001308094.2, NM_001374273.1); c.265_267del, p.Ser89del (NM_001374274.1); c.1009_1011del, p.Ser337del (NM_002052.5); short protein forms S338del, S131del, S337del, S89del.
Identifiers: ClinVar variation 3635303 (VCV003635303.10).

ClinVar aggregate classification (germline): Conflicting classifications of pathogenicity. Review status: criteria provided, conflicting classifications (1 of 4 stars). 2 submissions from 2 submitters: Uncertain significance (1); Likely benign (1). Last evaluated 2025-06-01.

Conditions:
Atrioventricular septal defect 4 (AVSD4). Identifiers: MedGen C3280781, MONDO:0013747, OMIM 614430.

Submissions (2):

CeGaT Center for Human Genetics Tuebingen
Classification: Likely benign. Last evaluated: 2025-06-01. Review status: criteria provided, single submitter. Criteria: CeGaT Center For Human Genetics Tuebingen Variant Classification Criteria Version 2. Collection method: clinical testing. Allele origin: germline. Affected: yes. Observed: 1 variant allele.
Comment: GATA4: PM4:Supporting, BS2

Labcorp Genetics (formerly Invitae), Labcorp
Classification: Uncertain significance for Atrioventricular septal defect 4. Last evaluated: 2025-02-11. Review status: criteria provided, single submitter. Criteria: Invitae Variant Classification Sherloc (09022015). Collection method: clinical testing. Allele origin: germline.
Comment: This variant, c.1009_1011del, results in the deletion of 1 amino acid(s) of the GATA4 protein (p.Ser337del), but otherwise preserves the integrity of the reading frame. This variant is present in population databases (no rsID available, gnomAD 0.0009%). This variant has not been reported in the literature in individuals affected with GATA4-related conditions. Experimental studies and prediction algorithms are not available or were not evaluated, and the functional significance of this variant is currently unknown. In summary, the available evidence is currently insufficient to determine the role of this variant in disease. Therefore, it has been classified as a Variant of Uncertain Significance.